The following is an entry in ClinVar:

ClinVar aggregate classification (germline): Benign (0 of 4 stars; one submission).

Conditions:
DNHD1-related disorder. Also called: DNHD1-related condition.

Allele frequency attached by ClinVar (database versions not stated): gnomAD exomes 0.01994; ExAC 0.03563; ESP Exome Variant Server 0.06592; gnomAD 0.06989; 1000 Genomes Project 0.07308; TOPMed 0.07386; 1000 Genomes Project 30x 0.07745.
gnomAD v4.1: 39,086 of 1,551,546 alleles (2.5%); highest among the groups gnomAD compares: African/African-American, 19%; 1,744 homozygotes.

Submission:

PreventionGenetics, part of Exact Sciences
Classification: Benign for DNHD1-related condition. Last evaluated: 2019-06-03. Review status: no assertion criteria provided. Collection method: clinical testing. Allele origin: germline.
Comment: This variant is classified as benign based on ACMG/AMP sequence variant interpretation guidelines (Richards et al. 2015 PMID: 25741868, with internal and published modifications).

NM_144666.3(DNHD1):c.8267T>C (p.Val2756Ala)

Gene: DNHD1 (dynein heavy chain domain 1; plus strand). Cytogenetic location: 11p15.4.
Variant type: single nucleotide variant.
Coding change: c.8267T>C on transcript NM_144666.3 (MANE Select); coding-DNA position 8267, T replaced by C.
Protein change: p.Val2756Ala; replaces valine 2756 with alanine.
Molecular consequence: missense variant.
Genome position (GRCh38, 1-based): chr11:6,557,562, T>C. VCF-style: chr11-6557562-T-C. GRCh37 (hg19) VCF-style: chr11-6578792-T-C.
Other names: short protein forms V2756A.
Identifiers: ClinVar variation 3037263 (VCV003037263.2), dbSNP rs112656142, ClinGen allele CA5856296.